The following is an entry in ClinVar:

ClinVar aggregate classification (germline): Uncertain significance (1 of 4 stars; one submission).

Conditions:
Combined immunodeficiency with skin granulomas. Identifiers: Orphanet 157949, MedGen C2673536, MONDO:0009306, OMIM 233650.
Severe combined immunodeficiency, autosomal recessive, T cell-negative, B cell-negative, NK cell-positive. Also called: SCID, T CELL-NEGATIVE, B CELL-NEGATIVE, NK CELL-POSITIVE; SCID, AR, T-cell negative, B-cell negative, NK cell-positive; Severe combined immunodeficiency due to complete RAG1/2 deficiency. Identifiers: Orphanet 331206, MedGen C1832322, MONDO:0011086, OMIM 601457.

Submission:

Labcorp Genetics (formerly Invitae), Labcorp
Classification: Uncertain significance for Combined immunodeficiency with skin granulomas; Severe combined immunodeficiency, autosomal recessive, T cell-negative, B cell-negative, NK cell-positive. Last evaluated: 2021-04-22. Review status: criteria provided, single submitter. Criteria: Invitae Variant Classification Sherloc (09022015). Collection method: clinical testing. Allele origin: germline.
Comment: In summary, the available evidence is currently insufficient to determine the role of this variant in disease. Therefore, it has been classified as a Variant of Uncertain Significance. Advanced modeling of protein sequence and biophysical properties (such as structural, functional, and spatial information, amino acid conservation, physicochemical variation, residue mobility, and thermodynamic stability) performed at Invitae indicates that this missense variant is not expected to disrupt RAG2 protein function. This variant has not been reported in the literature in individuals with RAG2-related conditions. This variant is not present in population databases (ExAC no frequency). This sequence change replaces methionine with isoleucine at codon 152 of the RAG2 protein (p.Met152Ile). The methionine residue is moderately conserved and there is a small physicochemical difference between methionine and isoleucine.

NM_000536.4(RAG2):c.456G>A (p.Met152Ile)

Gene: RAG2 (recombination activating 2; minus strand). Cytogenetic location: 11p12.
Variant type: single nucleotide variant.
Coding change: c.456G>A on transcript NM_000536.4 (MANE Select); coding-DNA position 456, G replaced by A.
Protein change: p.Met152Ile; replaces methionine 152 with isoleucine.
Molecular consequence: missense variant.
Genome position (GRCh38, 1-based): chr11:36,593,713, C>T on the plus strand (G>A on the coding strand, the complement: RAG2 is on the minus strand). VCF-style: chr11-36593713-C-T. GRCh37 (hg19) VCF-style: chr11-36615263-C-T.
Other names: c.456G>A, p.Met152Ile (NM_001243785.2, NM_001243786.2); short protein forms M152I.
Identifiers: ClinVar variation 1347493 (VCV001347493.8), dbSNP rs2133314764, ClinGen allele CA380142986.